The following is an entry in ClinVar:

ClinVar aggregate classification (germline): Uncertain significance. Review status: criteria provided, multiple submitters, no conflicts (2 of 4 stars). 2 submissions from 2 submitters: Uncertain significance (2). Last evaluated 2025-10-14.

Conditions:
Hereditary cancer-predisposing syndrome. Also called: Neoplastic Syndromes, Hereditary; Tumor predisposition; Hereditary Cancer Syndrome; Hereditary neoplastic syndrome. Identifiers: Orphanet 140162, MedGen C0027672, MeSH D009386, MONDO:0015356.
Familial cancer of breast. Also called: BREAST CANCER, FAMILIAL; Hereditary breast cancer; hereditary breast carcinoma. Identifiers: Orphanet 227535, MedGen C0346153, MONDO:0016419, OMIM 114480. Disease mechanism: loss of function.

Allele frequency attached by ClinVar (database versions not stated): gnomAD exomes below 0.00001.

Submissions (2):

Ambry Genetics
Classification: Uncertain significance for Hereditary cancer-predisposing syndrome. Last evaluated: 2025-10-14. Review status: criteria provided, single submitter. Criteria: Ambry Variant Classification Scheme 2023. Collection method: clinical testing. Allele origin: germline.
Comment: The p.S552F variant (also known as c.1655C>T), located in coding exon 7 of the BARD1 gene, results from a C to T substitution at nucleotide position 1655. The serine at codon 552 is replaced by phenylalanine, an amino acid with highly dissimilar properties. This amino acid position is poorly conserved in available vertebrate species. In addition, this alteration is predicted to be tolerated by in silico analysis. Since supporting evidence is limited at this time, the clinical significance of this alteration remains unclear.

Labcorp Genetics (formerly Invitae), Labcorp
Classification: Uncertain significance for Familial cancer of breast. Last evaluated: 2023-10-12. Review status: criteria provided, single submitter. Criteria: Invitae Variant Classification Sherloc (09022015). Collection method: clinical testing. Allele origin: germline.
Comment: This sequence change replaces serine, which is neutral and polar, with phenylalanine, which is neutral and non-polar, at codon 552 of the BARD1 protein (p.Ser552Phe). This variant is not present in population databases (gnomAD no frequency). This variant has not been reported in the literature in individuals affected with BARD1-related conditions. ClinVar contains an entry for this variant (Variation ID: 819751). Algorithms developed to predict the effect of missense changes on protein structure and function output the following: SIFT: "Not Available"; PolyPhen-2: "Benign"; Align-GVGD: "Not Available". The phenylalanine amino acid residue is found in multiple mammalian species, which suggests that this missense change does not adversely affect protein function. In summary, the available evidence is currently insufficient to determine the role of this variant in disease. Therefore, it has been classified as a Variant of Uncertain Significance.

NM_000465.4(BARD1):c.1655C>T (p.Ser552Phe)

Gene: BARD1 (BRCA1 associated RING domain 1; minus strand). Cytogenetic location: 2q35.
Variant type: single nucleotide variant.
Coding change: c.1655C>T on transcript NM_000465.4 (MANE Select); coding-DNA position 1655, C replaced by T.
Protein change: p.Ser552Phe; replaces serine 552 with phenylalanine.
Molecular consequence: missense variant. On other transcripts: non-coding transcript variant (3), intron variant (1).
Genome position (GRCh38, 1-based): chr2:214,752,469, G>A on the plus strand (C>T on the coding strand, the complement: BARD1 is on the minus strand). VCF-style: chr2-214752469-G-A. GRCh37 (hg19) VCF-style: chr2-215617193-G-A.
Other names: c.1598C>T, p.Ser533Phe (NM_001282543.2); c.302C>T, p.Ser101Phe (NM_001282545.2); c.245C>T, p.Ser82Phe (NM_001282548.2); c.365-21961C>T (NM_001282549.2); short protein forms S533F, S552F, S101F, S82F.
Identifiers: ClinVar variation 819751 (VCV000819751.16), dbSNP rs876660617, ClinGen allele CA350454624.